The following is an entry in ClinVar:

ClinVar aggregate classification (germline): Pathogenic. Review status: criteria provided, multiple submitters, no conflicts (2 of 4 stars). 5 submissions from 5 submitters: Pathogenic (4). 1 of the submissions does not count toward it. Last evaluated 2025-02-13.

Conditions:
Hereditary cancer-predisposing syndrome. Also called: Hereditary Cancer Syndrome; Hereditary neoplastic syndrome; Tumor predisposition; Neoplastic Syndromes, Hereditary. Identifiers: Orphanet 140162, MedGen C0027672, MeSH D009386, MONDO:0015356.
Familial adenomatous polyposis 1 (FAP1). Also called: FAMILIAL ADENOMATOUS POLYPOSIS 1, ATTENUATED; POLYPOSIS, ADENOMATOUS INTESTINAL. Identifiers: MedGen C2713442, MONDO:0021056, OMIM 175100. Disease mechanism: loss of function.
Familial multiple polyposis syndrome (FAP). Also called: Familial polyposis; Familial Adenomatous Polyposis (FAP); Classic familial adenomatous polyposis; Familial adenomatous polyposis; Familial intestinal polyposis. Identifiers: Orphanet 733, MedGen C0032580, MONDO:0021055. Disease mechanism: loss of function.

Submissions (5):

Labcorp Genetics (formerly Invitae), Labcorp
Classification: Pathogenic for Familial adenomatous polyposis 1. Last evaluated: 2025-02-13. Review status: criteria provided, single submitter. Criteria: Invitae Variant Classification Sherloc (09022015). Collection method: clinical testing. Allele origin: germline.
Comment: This sequence change creates a premature translational stop signal (p.Gly511Trpfs*26) in the APC gene. It is expected to result in an absent or disrupted protein product. Loss-of-function variants in APC are known to be pathogenic (PMID: 17963004, 20685668). This variant is not present in population databases (gnomAD no frequency). This variant has not been reported in the literature in individuals affected with APC-related conditions. ClinVar contains an entry for this variant (Variation ID: 548863). For these reasons, this variant has been classified as Pathogenic.

Ambry Genetics
Classification: Pathogenic for Hereditary cancer-predisposing syndrome. Last evaluated: 2023-10-11. Review status: criteria provided, single submitter. Criteria: Ambry Variant Classification Scheme 2023. Collection method: clinical testing. Allele origin: germline.
Comment: The c.1530dupT pathogenic mutation, located in coding exon 11 of the APC gene, results from a duplication of T at nucleotide position 1530, causing a translational frameshift with a predicted alternate stop codon (p.G511Wfs*26). In a large (n=1591) series of patients referred for APC testing, this alteration was detected in 1 individual (Kerr SE et al. J Mol Diagn, 2013 Jan;15:31-43). This variant is considered to be rare based on population cohorts in the Genome Aggregation Database (gnomAD). This alteration is expected to result in loss of function by premature protein truncation or nonsense-mediated mRNA decay. As such, this alteration is interpreted as a disease-causing mutation.

Myriad Genetics, Inc.
Classification: Pathogenic for Familial adenomatous polyposis 1. Last evaluated: 2023-02-13. Review status: criteria provided, single submitter. Criteria: Myriad Autosomal Dominant, Autosomal Recessive and X-Linked Classification Criteria (2023). Collection method: clinical testing. Allele origin: unknown.
Comment: This variant is considered pathogenic. This variant creates a frameshift predicted to result in premature protein truncation.

Women's Health and Genetics/Laboratory Corporation of America, LabCorp
Classification: Pathogenic for Familial multiple polyposis syndrome. Last evaluated: 2022-01-29. Review status: criteria provided, single submitter. Criteria: LabCorp Variant Classification Summary - May 2015. Collection method: clinical testing. Allele origin: germline.
Comment: Variant summary: APC c.1530dupT (p.Gly511TrpfsX26) results in a premature termination codon, predicted to cause a truncation of the encoded protein or absence of the protein due to nonsense mediated decay, which are commonly known mechanisms for disease. Truncations downstream of this position have been classified as pathogenic by our laboratory. The variant was absent in 251276 control chromosomes. c.1530dupT has been reported in the literature among unequivocally pathogenic variants in at-least one individual affected with Familial Adenomatous Polyposis (example, Kerr_2013). To our knowledge, no experimental evidence demonstrating an impact on protein function has been reported. Two clinical diagnostic laboratories have submitted clinical-significance assessments for this variant to ClinVar after 2014 without evidence for independent evaluation. All laboratories classified the variant as pathogenic/likely pathogenic. Based on the evidence outlined above, the variant was classified as pathogenic.

Counsyl
Classification: Likely pathogenic for Familial adenomatous polyposis 1. Last evaluated: 2018-02-21. Review status: no assertion criteria provided. Collection method: clinical testing. Allele origin: unknown. Not counted in ClinVar's aggregate classification.

Literature cited by the submitters: PubMed 17963004 (cited by Labcorp Genetics (formerly Invitae), Labcorp); PubMed 20685668 (cited by Labcorp Genetics (formerly Invitae), Labcorp); PubMed 23159591 (cited by 3 submitters).

NM_000038.6(APC):c.1530dup (p.Gly511fs)

Gene: APC (APC regulator of Wnt signaling pathway; plus strand). Cytogenetic location: 5q22.2.
Variant type: Duplication.
Coding change: c.1530dup on transcript NM_000038.6 (MANE Select); coding-DNA position 1530, one base duplicated (T; older notation c.1530dupT).
Protein change: p.Gly511fs; shifts the reading frame from glycine 511.
Molecular consequence: frameshift variant.
Genome position (GRCh38, 1-based): chr5:112,827,229, T duplicated; the last of 4 consecutive T bases (chr5:112,827,226-112,827,229); duplicating any one gives the same sequence. VCF-style (leftmost placement, unchanged base first): chr5-112827225-C-CT. GRCh37 (hg19) VCF-style: chr5-112162922-C-CT.
Other names: c.1530dup, p.Gly511fs (NM_001127510.3, NM_001354895.2); c.1476dup, p.Gly493fs (NM_001127511.3); c.1584dup, p.Gly529fs (NM_001354896.2); c.1560dup, p.Gly521fs (NM_001354897.2); c.1455dup, p.Gly486fs (NM_001354898.2); c.1446dup, p.Gly483fs (NM_001354899.2); c.1407dup, p.Gly470fs (NM_001354900.2); c.1353dup, p.Gly452fs (NM_001354901.2); and 6 more; short protein forms G420fs, G452fs, G493fs, G486fs, G385fs, G410fs, G470fs, G483fs.
Identifiers: ClinVar variation 548863 (VCV000548863.12), dbSNP rs1554081749, ClinGen allele CA658822392.
Genomic context (GRCh38, chr5:112,827,225, plus strand): 5'-CTAATGACCACTACAGTATTACACTAAGACGATATGCTGGAATGGCTTTGACAAACTTGA[C>CT]TTTTGGAGATGTAGCCAACAAGGTATGTTTTTATAACATGTATTTCTTAAGATAGCTCAG-3'